The following is an entry in ClinVar:

ClinVar aggregate classification (germline): Uncertain significance (1 of 4 stars; one submission).

Conditions:
Hypomyelination and Congenital Cataract (HLD5). Also called: hypomyelinating leukodystrophy 5. Identifiers: Orphanet 85163, MedGen C1864663, MONDO:0012514, OMIM 610532.

Allele frequency attached by ClinVar (database versions not stated): gnomAD exomes 0.00003 and 0.00006; ExAC 0.00004; gnomAD 0.00008 and 0.00007; TOPMed 0.00008; ESP Exome Variant Server 0.00015.
gnomAD v4.1: 101 of 1,596,218 alleles (0.0063%); highest among the groups gnomAD compares: Non-Finnish European, 0.0082%; no homozygotes.

Submission:

Labcorp Genetics (formerly Invitae), Labcorp
Classification: Uncertain significance for Hypomyelination and Congenital Cataract. Last evaluated: 2022-06-27. Review status: criteria provided, single submitter. Criteria: Invitae Variant Classification Sherloc (09022015). Collection method: clinical testing. Allele origin: germline.
Comment: This sequence change replaces proline, which is neutral and non-polar, with leucine, which is neutral and non-polar, at codon 139 of the FAM126A protein (p.Pro139Leu). This variant is present in population databases (rs140154050, gnomAD 0.007%). This variant has not been reported in the literature in individuals affected with FAM126A-related conditions. Algorithms developed to predict the effect of missense changes on protein structure and function are either unavailable or do not agree on the potential impact of this missense change (SIFT: "Deleterious"; PolyPhen-2: "Possibly Damaging"; Align-GVGD: "Class C0"). In summary, the available evidence is currently insufficient to determine the role of this variant in disease. Therefore, it has been classified as a Variant of Uncertain Significance.

NM_032581.4(HYCC1):c.416C>T (p.Pro139Leu)

Gene: HYCC1 (hyccin PI4KA lipid kinase complex subunit 1; minus strand). Cytogenetic location: 7p15.3.
Variant type: single nucleotide variant.
Coding change: c.416C>T on transcript NM_032581.4 (MANE Select); coding-DNA position 416, C replaced by T.
Protein change: p.Pro139Leu; replaces proline 139 with leucine.
Molecular consequence: missense variant.
Genome position (GRCh38, 1-based): chr7:22,976,807, G>A on the plus strand (C>T on the coding strand, the complement: HYCC1 is on the minus strand). VCF-style: chr7-22976807-G-A. GRCh37 (hg19) VCF-style: chr7-23016426-G-A.
Other names: c.416C>T, p.Pro139Leu (NM_001363466.2, NM_001363467.2); short protein forms P139L.
Identifiers: ClinVar variation 1465251 (VCV001465251.3), dbSNP rs140154050, ClinGen allele CA4186006.